The following is an entry in ClinVar:

NM_000787.4(DBH):c.1515C>T (p.Ser505=)

Genes: DBH (dopamine beta-hydroxylase; plus strand), DBH-AS1 (DBH antisense RNA 1; minus strand). Cytogenetic location: 9q34.2.
Variant type: single nucleotide variant.
Coding change: c.1515C>T on transcript NM_000787.4 (MANE Select); coding-DNA position 1515, C replaced by T.
Protein change: p.Ser505=; no amino-acid change (serine 505 retained).
Molecular consequence: synonymous variant.
Genome position (GRCh38, 1-based): chr9:133,656,603, C>T. VCF-style: chr9-133656603-C-T. GRCh37 (hg19) VCF-style: chr9-136521725-C-T.
Identifiers: ClinVar variation 1934604 (VCV001934604.7), dbSNP rs200029167, ClinGen allele CA5313564.
Genomic context (GRCh38, chr9:133,656,603, plus strand): 5'-GGAGATGTGTGTCAACTACGTGCACTACTACCCCCAGACGCAGCTGGAGCTCTGCAAGAG[C>T]GCTGTGGACGCCGGCTTCCTGCAGAAGTACTTCCACCTCATCAACAGGTGAGGGCTCCCT-3'
Protein context (NP_000778.3, residues 495-515): YPQTQLELCK[Ser505=]AVDAGFLQKY

ClinVar aggregate classification (germline): Likely benign. Review status: criteria provided, multiple submitters, no conflicts (2 of 4 stars). 2 submissions from 2 submitters: Likely benign (2). Last evaluated 2026-04-01.

Conditions:
Orthostatic hypotension 1 (ORTHYP1). Also called: Dopamine beta-hydroxylase deficiency; Orthostatic hypotension 1, due to DBH deficiency; NORADRENALINE DEFICIENCY; NOREPINEPHRINE DEFICIENCY. Identifiers: Orphanet 230, MedGen C4746777, MONDO:0009123, OMIM 223360.

Allele frequency attached by ClinVar (database versions not stated): ExAC 0.00001; gnomAD 0.00001; gnomAD exomes 0.00001; TOPMed 0.00001; 1000 Genomes Project 30x 0.00016; 1000 Genomes Project 0.00020.
gnomAD v4.1: 19 of 1,613,626 alleles (0.0012%); highest among the groups gnomAD compares: African/African-American, 0.0027%; no homozygotes.

Submissions (2):

CeGaT Center for Human Genetics Tuebingen
Classification: Likely benign. Last evaluated: 2026-04-01. Review status: criteria provided, single submitter. Criteria: CeGaT Center For Human Genetics Tuebingen Variant Classification Criteria Version 2. Collection method: clinical testing. Allele origin: germline. Affected: yes. Observed: 1 variant allele.
Comment: DBH: BP4, BP7

Labcorp Genetics (formerly Invitae), Labcorp
Classification: Likely benign for Orthostatic hypotension 1. Last evaluated: 2025-12-28. Review status: criteria provided, single submitter. Criteria: Invitae Variant Classification Sherloc (09022015). Collection method: clinical testing. Allele origin: germline.